The following is an entry in ClinVar:

ClinVar aggregate classification (germline): Uncertain significance. Review status: criteria provided, multiple submitters, no conflicts (2 of 4 stars). 2 submissions from 2 submitters: Uncertain significance (2). Last evaluated 2025-08-17.

Conditions:
KMT2A-related disorder. Also called: KMT2A-related condition.

gnomAD v4.1: 8 of 1,613,910 alleles (0.0005%); highest among the groups gnomAD compares: African/African-American, 0.0053%; no homozygotes.

Submissions (2):

Labcorp Genetics (formerly Invitae), Labcorp
Classification: Uncertain significance. Last evaluated: 2025-08-17. Review status: criteria provided, single submitter. Criteria: Invitae Variant Classification Sherloc (09022015). Collection method: clinical testing. Allele origin: germline.
Comment: This sequence change replaces histidine, which is basic and polar, with tyrosine, which is neutral and polar, at codon 1399 of the KMT2A protein (p.His1399Tyr). This variant is present in population databases (no rsID available, gnomAD 0.007%). This variant has not been reported in the literature in individuals affected with KMT2A-related conditions. Invitae Evidence Modeling of protein sequence and biophysical properties (such as structural, functional, and spatial information, amino acid conservation, physicochemical variation, residue mobility, and thermodynamic stability) has been performed for this missense variant. However, the output from this modeling did not meet the statistical confidence thresholds required to predict the impact of this variant on KMT2A protein function. In summary, the available evidence is currently insufficient to determine the role of this variant in disease. Therefore, it has been classified as a Variant of Uncertain Significance.

PreventionGenetics, part of Exact Sciences
Classification: Uncertain significance for KMT2A-related condition. Last evaluated: 2024-10-16. Review status: criteria provided, single submitter. Criteria: ACMG Guidelines, 2015. Collection method: clinical testing. Allele origin: germline.
Comment: The KMT2A c.4195C>T variant is predicted to result in the amino acid substitution p.His1399Tyr. To our knowledge, this variant has not been reported in the literature. This variant is reported in 0.0062% of alleles in individuals of African descent in gnomAD. At this time, the clinical significance of this variant is uncertain due to the absence of conclusive functional and genetic evidence.

NM_001197104.2(KMT2A):c.4195C>T (p.His1399Tyr)

Gene: KMT2A (lysine methyltransferase 2A; plus strand). Cytogenetic location: 11q23.3.
Variant type: single nucleotide variant.
Coding change: c.4195C>T on transcript NM_001197104.2 (MANE Select); coding-DNA position 4195, C replaced by T.
Protein change: p.His1399Tyr; replaces histidine 1399 with tyrosine.
Molecular consequence: missense variant.
Genome position (GRCh38, 1-based): chr11:118,484,291, C>T. VCF-style: chr11-118484291-C-T. GRCh37 (hg19) VCF-style: chr11-118355006-C-T.
Other names: c.4294C>T, p.His1432Tyr (NM_001412597.1); c.4195C>T, p.His1399Tyr (NM_005933.4); short protein forms H1432Y, H1399Y.
Identifiers: ClinVar variation 4779220 (VCV004779220.2).